The following is an entry in ClinVar:

NM_001009944.3(PKD1):c.7490-2A>G

Gene: PKD1 (polycystin 1, transient receptor potential channel interacting; minus strand). Cytogenetic location: 16p13.3.
Variant type: single nucleotide variant.
Coding change: c.7490-2A>G on transcript NM_001009944.3 (MANE Select); the canonical splice acceptor site of the intron before coding-DNA position 7490, A replaced by G.
Molecular consequence: splice acceptor variant.
Genome position (GRCh38, 1-based): chr16:2,106,306, T>C on the plus strand (A>G on the coding strand, the complement: PKD1 is on the minus strand). VCF-style: chr16-2106306-T-C. GRCh37 (hg19) VCF-style: chr16-2156307-T-C.
Other names: c.7490-2A>G (NM_000296.4).
Identifiers: ClinVar variation 3902598 (VCV003902598.1).

ClinVar aggregate classification (germline): Pathogenic (1 of 4 stars; one submission).

Conditions:
Polycystic kidney disease, adult type (PKD1). Also called: Polycystic Kidney Disease 1, Autosomal Dominant; Polycystic kidney disease 1; Polycystic kidney disease 1, severe; Polycystic Kidney, Autosomal Dominant; POLYCYSTIC KIDNEY DISEASE 1 WITH OR WITHOUT POLYCYSTIC LIVER DISEASE; POLYCYSTIC KIDNEY DISEASE, ADULT, TYPE I. Identifiers: MedGen C3149841, MONDO:0008263, OMIM 173900.

Submission:

Women's Health and Genetics/Laboratory Corporation of America, LabCorp
Classification: Pathogenic for Polycystic kidney disease, adult type. Last evaluated: 2025-05-01. Review status: criteria provided, single submitter. Criteria: LabCorp Variant Classification Summary - May 2015. Collection method: clinical testing. Allele origin: germline.
Comment: Variant summary: PKD1 c.7490-2A>G is located in a canonical splice-site and is predicted to affect mRNA splicing resulting in a significantly altered protein due to either exon skipping, shortening, or inclusion of intronic material. Variants that disrupt the consensus splice site are a relatively common cause of aberrant splicing and loss of PKD1 function. Several computational tools predict a significant impact on normal splicing: Four predict the variant abolishes a 3' acceptor site. However, these predictions have yet to be confirmed by functional studies. The variant was absent in 236410 control chromosomes (gnomAD). c.7490-2A>G has been observed in individuals affected with Polycystic Kidney Disease 1 (Rossetti_2003, Audrezet_2012, Lee_2021). These data indicate that the variant is likely to be associated with disease. To our knowledge, no experimental evidence demonstrating an impact on protein function has been reported. The following publications have been ascertained in the context of this evaluation (PMID: 12842373, 22508176, 35122417). No submitters have cited clinical-significance assessments for this variant to ClinVar. Based on the evidence outlined above, the variant was classified as pathogenic.

Literature cited by the submitters: PubMed 12842373; PubMed 22508176; PubMed 35122417.